The following is an entry in ClinVar:

ClinVar aggregate classification (germline): Likely benign (1 of 4 stars; one submission).

Allele frequency attached by ClinVar (database versions not stated): gnomAD exomes below 0.00001.
gnomAD v4.1: 1 of 352,742 alleles (0.00028%); highest among the groups gnomAD compares: South Asian, 0.0079%; no homozygotes.

Submission:

CeGaT Center for Human Genetics Tuebingen
Classification: Likely benign. Last evaluated: 2026-08-01. Review status: criteria provided, single submitter. Criteria: CeGaT Center For Human Genetics Tuebingen Variant Classification Criteria Version 2. Collection method: clinical testing. Allele origin: germline. Affected: yes. Observed: 23 variant alleles.
Comment: HYDIN: BP4, BP7

NM_001270974.2(HYDIN):c.3135C>T (p.Val1045=)

Gene: HYDIN (HYDIN axonemal central pair apparatus protein; minus strand). Cytogenetic location: 16q22.2.
Variant type: single nucleotide variant.
Coding change: c.3135C>T on transcript NM_001270974.2 (MANE Select); coding-DNA position 3135, C replaced by T.
Protein change: p.Val1045=; no amino-acid change (valine 1045 retained).
Molecular consequence: synonymous variant.
Genome position (GRCh38, 1-based): chr16:71,025,434, G>A on the plus strand (C>T on the coding strand, the complement: HYDIN is on the minus strand). VCF-style: chr16-71025434-G-A. GRCh37 (hg19) VCF-style: chr16-71059337-G-A.
Identifiers: ClinVar variation 2498670 (VCV002498670.28), dbSNP rs111294835, ClinGen allele CA283523858.